The following is an entry in ClinVar:

ClinVar aggregate classification (germline): Uncertain significance (1 of 4 stars; one submission).

Conditions:
SETD1B-related disorder. Also called: SETD1B-related condition.

Allele frequency attached by ClinVar (database versions not stated): TOPMed 0.00001.

Submission:

PreventionGenetics, part of Exact Sciences
Classification: Uncertain significance for SETD1B-related condition. Last evaluated: 2024-12-10. Review status: criteria provided, single submitter. Criteria: ACMG Guidelines, 2015. Collection method: clinical testing. Allele origin: germline.
Comment: The SETD1B c.919A>G variant is predicted to result in the amino acid substitution p.Thr307Ala. To our knowledge, this variant has not been reported in the literature or in a large population database (gnomAD), indicating this variant is rare. At this time, the clinical significance of this variant is uncertain due to the absence of conclusive functional and genetic evidence.

NM_001353345.2(SETD1B):c.919A>G (p.Thr307Ala)

Gene: SETD1B (SET domain containing 1B, histone lysine methyltransferase; plus strand). Cytogenetic location: 12q24.31.
Variant type: single nucleotide variant.
Coding change: c.919A>G on transcript NM_001353345.2 (MANE Select); coding-DNA position 919, A replaced by G.
Protein change: p.Thr307Ala; replaces threonine 307 with alanine.
Molecular consequence: missense variant.
Genome position (GRCh38, 1-based): chr12:121,809,864, A>G. VCF-style: chr12-121809864-A-G. GRCh37 (hg19) VCF-style: chr12-122247770-A-G.
Other names: NM_015048.1:c.919A>G; short protein forms T307A.
Identifiers: ClinVar variation 2635108 (VCV002635108.2), dbSNP rs1468185202, ClinGen allele CA386990492.